The following is an entry in ClinVar:

NM_005546.4(ITK):c.499C>A (p.Pro167Thr)

Gene: ITK (IL2 inducible T cell kinase; plus strand). Cytogenetic location: 5q33.3.
Variant type: single nucleotide variant.
Coding change: c.499C>A on transcript NM_005546.4 (MANE Select); coding-DNA position 499, C replaced by A.
Protein change: p.Pro167Thr; replaces proline 167 with threonine.
Molecular consequence: missense variant.
Genome position (GRCh38, 1-based): chr5:157,222,866, C>A. VCF-style: chr5-157222866-C-A. GRCh37 (hg19) VCF-style: chr5-156649876-C-A.
Other names: short protein forms P167T.
Identifiers: ClinVar variation 4743945 (VCV004743945.1).

ClinVar aggregate classification (germline): Uncertain significance (1 of 4 stars; one submission).

Conditions:
Lymphoproliferative syndrome 1 (LPFS1). Identifiers: Orphanet 238505, Orphanet 538963, MedGen C3552634, MONDO:0013081, OMIM 613011.

gnomAD v4.1: 1 of 1,614,058 alleles (0.000062%); highest among the groups gnomAD compares: Non-Finnish European, 0.000085%; no homozygotes.

Submission:

Labcorp Genetics (formerly Invitae), Labcorp
Classification: Uncertain significance for Lymphoproliferative syndrome 1. Last evaluated: 2025-12-24. Review status: criteria provided, single submitter. Criteria: Invitae Variant Classification Sherloc (09022015). Collection method: clinical testing. Allele origin: germline.
Comment: This sequence change replaces proline, which is neutral and non-polar, with threonine, which is neutral and polar, at codon 167 of the ITK protein (p.Pro167Thr). This variant is not present in population databases (gnomAD no frequency). This variant has not been reported in the literature in individuals affected with ITK-related conditions. Invitae Evidence Modeling of protein sequence and biophysical properties (such as structural, functional, and spatial information, amino acid conservation, physicochemical variation, residue mobility, and thermodynamic stability) indicates that this missense variant is not expected to disrupt ITK protein function with a negative predictive value of 80%. In summary, the available evidence is currently insufficient to determine the role of this variant in disease. Therefore, it has been classified as a Variant of Uncertain Significance.